The following is an entry in ClinVar:

ClinVar aggregate classification (germline): Uncertain significance (1 of 4 stars; one submission).

Conditions:
Congenital disorder of glycosylation, type Ii. Also called: ALG2-CDG; CDG Ii; ALG2-congenital disorder of glycosylation. Identifiers: Orphanet 79326, MedGen C1842836, MONDO:0011933, OMIM 607906.
Congenital myasthenic syndrome 14. Also called: Myasthenic syndrome, congenital, 14, with tubular aggregates. Identifiers: Orphanet 353327, Orphanet 590, MedGen C4015597, MONDO:0014543, OMIM 616228.

gnomAD v4.1: 26 of 1,614,056 alleles (0.0016%); highest among the groups gnomAD compares: Admixed American, 0.0033%; no homozygotes.

Submission:

Labcorp Genetics (formerly Invitae), Labcorp
Classification: Uncertain significance for Congenital disorder of glycosylation, type Ii; Congenital myasthenic syndrome 14. Last evaluated: 2024-10-28. Review status: criteria provided, single submitter. Criteria: Invitae Variant Classification Sherloc (09022015). Collection method: clinical testing. Allele origin: germline.
Comment: This sequence change replaces isoleucine, which is neutral and non-polar, with methionine, which is neutral and non-polar, at codon 265 of the ALG2 protein (p.Ile265Met). This variant is present in population databases (rs183416022, gnomAD 0.004%). This variant has not been reported in the literature in individuals affected with ALG2-related conditions. ClinVar contains an entry for this variant (Variation ID: 1507401). An algorithm developed to predict the effect of missense changes on protein structure and function (PolyPhen-2) suggests that this variant is likely to be disruptive. In summary, the available evidence is currently insufficient to determine the role of this variant in disease. Therefore, it has been classified as a Variant of Uncertain Significance.

NM_033087.4(ALG2):c.795C>G (p.Ile265Met)

Gene: ALG2 (ALG2 alpha-1,3/1,6-mannosyltransferase; minus strand). Cytogenetic location: 9q22.33.
Variant type: single nucleotide variant.
Coding change: c.795C>G on transcript NM_033087.4 (MANE Select); coding-DNA position 795, C replaced by G.
Protein change: p.Ile265Met; replaces isoleucine 265 with methionine.
Molecular consequence: missense variant. On other transcripts: non-coding transcript variant (1).
Genome position (GRCh38, 1-based): chr9:99,218,390, G>C on the plus strand (C>G on the coding strand, the complement: ALG2 is on the minus strand). VCF-style: chr9-99218390-G-C. GRCh37 (hg19) VCF-style: chr9-101980672-G-C.
Other names: short protein forms I265M.
Identifiers: ClinVar variation 1507401 (VCV001507401.7), dbSNP rs183416022, ClinGen allele CA5156249.
Genomic context (GRCh38, chr9:99,218,390, plus strand): 5'-CTTCAATTCCTGATAATGTTCCACATTCTCCAGGACTCTCTCGTCATAACCACCTGCCAC[G>C]ATCAGATGAACCCTCTCCCAATCTTGGGATGTCAATCTTCCACGCAGCTGTACTAGGGCT-3'
Protein context (NP_149078.1, residues 255-275): TSQDWERVHL[Ile265Met]VAGGYDERVL